The following is an entry in ClinVar:

ClinVar aggregate classification (germline): Likely benign. Review status: criteria provided, multiple submitters, no conflicts (2 of 4 stars). 3 submissions from 3 submitters: Likely benign (2). 1 of the submissions does not count toward it. Last evaluated 2024-10-24.

Conditions:
COL4A2-related disorder. Also called: COL4A2-related disorders; COL4A2-related condition.

Allele frequency attached by ClinVar (database versions not stated): ExAC 0.00003; TOPMed 0.00003; gnomAD exomes 0.00004 and 0.00005; gnomAD 0.00005.
gnomAD v4.1: 76 of 1,613,282 alleles (0.0047%); highest among the groups gnomAD compares: South Asian, 0.02%; 1 homozygote.

Submissions (3):

Labcorp Genetics (formerly Invitae), Labcorp
Classification: Likely benign. Last evaluated: 2024-10-24. Review status: criteria provided, single submitter. Criteria: Invitae Variant Classification Sherloc (09022015). Collection method: clinical testing. Allele origin: germline.

Blueprint Genetics
Classification: Likely benign. Last evaluated: 2022-10-17. Review status: criteria provided, single submitter. Criteria: ACMG Guidelines, 2015. Collection method: clinical testing. Allele origin: germline.

PreventionGenetics, part of Exact Sciences
Classification: Likely benign for COL4A2-related condition. Last evaluated: 2019-02-22. Review status: no assertion criteria provided. Collection method: clinical testing. Allele origin: germline. Not counted in ClinVar's aggregate classification.
Comment: This variant is classified as likely benign based on ACMG/AMP sequence variant interpretation guidelines (Richards et al. 2015 PMID: 25741868, with internal and published modifications).

NM_001846.4(COL4A2):c.2038+9G>T

Gene: COL4A2 (collagen type IV alpha 2 chain; plus strand). Cytogenetic location: 13q34.
Variant type: single nucleotide variant.
Coding change: c.2038+9G>T on transcript NM_001846.4 (MANE Select); 9 bases into the intron after coding-DNA position 2038, G replaced by T.
Molecular consequence: intron variant.
Genome position (GRCh38, 1-based): chr13:110,466,071, G>T. VCF-style: chr13-110466071-G-T. GRCh37 (hg19) VCF-style: chr13-111118418-G-T.
Other names: c.2038+9G>T (NM_001846.3).
Identifiers: ClinVar variation 1570102 (VCV001570102.11), dbSNP rs779062064, ClinGen allele CA7049791.
Genomic context (GRCh38, chr13:110,466,071, plus strand): 5'-ACAGATGTGAAAAGGGCCGTTGGAGGTGACAGACAGGAGGCCATCCAGCCAGGTACTCTG[G>T]GAAGTGCAGGTGGCTTTAGGACACTAGAGAACTCTCATTTGGTCTGCTGGTTAAGCTCTT-3'